The following is an entry in ClinVar:

NM_004004.6(GJB2):c.585G>C (p.Met195Ile)

Gene: GJB2 (gap junction protein beta 2; minus strand). Cytogenetic location: 13q12.11.
Variant type: single nucleotide variant.
Coding change: c.585G>C on transcript NM_004004.6 (MANE Select); coding-DNA position 585, G replaced by C.
Protein change: p.Met195Ile; replaces methionine 195 with isoleucine.
Molecular consequence: missense variant.
Genome position (GRCh38, 1-based): chr13:20,188,997, C>G on the plus strand (G>C on the coding strand, the complement: GJB2 is on the minus strand). VCF-style: chr13-20188997-C-G. GRCh37 (hg19) VCF-style: chr13-20763136-C-G.
Other names: NM_004004.6(GJB2):c.585G>C; p.Met195Ile; c.585G>C (NM_004004.5); short protein forms M195I.
Identifiers: ClinVar variation 1334161 (VCV001334161.16), dbSNP rs570552952, ClinGen allele CA6904231.

ClinVar aggregate classification (germline): Uncertain significance. Review status: reviewed by expert panel (3 of 4 stars). 8 submissions from 8 submitters: Uncertain significance (1). 7 of the submissions do not count toward it. Last evaluated 2024-05-15.

Conditions:
Autosomal recessive nonsyndromic hearing loss 1A (DFNB1A). Also called: GJB6-Related DFNB 1 Nonsyndromic Hearing Loss and Deafness; Nonsyndromic Hearing Loss and Deafness, DFNB1; Connexin 26 deafness; Deafness nonsyndromic, Connexin 26 linked; GJB2-Related Autosomal Recessive Nonsyndromic Hearing Loss; Deafness, autosomal recessive 1A. Identifiers: Orphanet 90636, MedGen C2673759, MONDO:0009076, OMIM 220290.
Nonsyndromic genetic hearing loss. Also called: Nonsyndromic hearing loss and deafness; Non-syndromic genetic deafness; Nonsyndromic genetic deafness. Identifiers: Orphanet 87884, MedGen C5680182, MONDO:0019497.

Allele frequency attached by ClinVar (database versions not stated): gnomAD 0.00002; 1000 Genomes Project 30x 0.00047; 1000 Genomes Project 0.00060.

Submissions (8):

ClinGen Hearing Loss Variant Curation Expert Panel
Classification: Uncertain significance for Nonsyndromic genetic hearing loss. Last evaluated: 2024-05-15. Review status: reviewed by expert panel. Criteria: Clingen Hl Acmg Specifications Cdh23 Coch Gjb2 Kcnq4 Myo6 Myo7a Slc26a4 Tecta Ush2a V2. Collection method: curation. Allele origin: germline. Inheritance: Autosomal recessive inheritance.
Comment: The c.585G>C is a missense variant predicted to cause a substitution of methionine by isoleucine at amino acid 195 (p.Met195Ile). The highest population minor allele frequency in gnomAD v4.1.0 is 0.048% (56/91086, CI 95%) in the East Asian population (PM2_Supporting, BS1, and BA1 are not met). The c.585G>C (p.Met195Ile) variant has been detected in two patients with hearing loss but without a second variant (PMID: 20601923; 18941476). The computational predictor REVEL gives a score of 0.928 which is above the threshold of 0.7, evidence that correlates with impact to GJB2 function (PP3). Another missense variant c.583G>C (p.Met195Val; ClinVar Variation ID: 22537) in the same codon has been classified as pathogenic for hearing loss by the ClinGen Hearing Loss VCEP (PM5). In summary, this variant meets the criteria to be classified as uncertain significance for autosomal recessive non-syndromic hearing loss based on the ACMG/AMP criteria applied, as specified by the ClinGen Hearing Loss VCEP (PP3, PM5; Version 2; 5/15/24).

Natera, Inc.
Classification: Likely pathogenic for Autosomal recessive deafness type 1A. Last evaluated: 2025-11-03. Review status: criteria provided, single submitter. Criteria: Natera Variant Classification Schema (03/2026). Collection method: clinical testing. Allele origin: germline. Not counted in ClinVar's aggregate classification.
Comment: The c.585G>C variant in GJB2 is a missense variant predicted to cause substitution of methionine to isoleucine at amino acid 195. This variant is rare in the general population with a frequency below the threshold expected for the associated phenotype(s). This variant has been observed in affected individual(s) with monoallelic occurrence (heterozygous/hemizygous) (PMID: 22925408, 18941476, 29148562). A different variant at the same position has been determined to be Pathogenic or Likely Pathogenic. Computational prediction algorithms indicate this variant is likely to affect gene or protein function. Given the available evidence, this variant is classified as Likely Pathogenic.

GeneDx
Classification: Uncertain significance. Last evaluated: 2024-12-13. Review status: criteria provided, single submitter. Criteria: GeneDx Variant Classification Process June 2021. Collection method: clinical testing. Allele origin: germline. Affected: yes. Not counted in ClinVar's aggregate classification.
Comment: A different missense change at this residue (p.(M195V)) has been reported as pathogenic in the published literature and at GeneDx in association with autosomal recessive nonsyndromic hearing loss (PMID: 20497192, 26749107); In silico analysis supports that this missense variant has a deleterious effect on protein structure/function; This variant is associated with the following publications: (PMID: 29148562, 29921236, 20601923, 18941476, 36048236, 22925408, 20497192, 26749107)

Myriad Genetics, Inc.
Classification: Likely pathogenic for Nonsyndromic genetic hearing loss. Last evaluated: 2024-11-08. Review status: criteria provided, single submitter. Criteria: Myriad Autosomal Dominant, Autosomal Recessive and X-Linked Classification Criteria (2023). Collection method: clinical testing. Allele origin: unknown. Not counted in ClinVar's aggregate classification.
Comment: NM_004004.5(GJB2):c.585G>C(M195I) is a missense variant classified as likely pathogenic in the context of GJB2-related DFNB1 nonsyndromic hearing loss and deafness. M195I has been observed in cases with relevant disease (PMID: 20601923, 18941476, 22925408). Relevant functional assessments of this variant are not available in the literature. Internal structural analysis of the variant is supportive of pathogenicity. M195I has been observed in referenced population frequency databases. In summary, NM_004004.5(GJB2):c.585G>C(M195I) is a missense variant that has internal structural support for pathogenicity and has been observed more frequently in cases with the relevant disease than in healthy populations. Please note: this variant was assessed in the context of healthy population screening.

Blueprint Genetics
Classification: Uncertain significance. Last evaluated: 2024-10-23. Review status: criteria provided, single submitter. Criteria: ACMG Guidelines, 2015. Collection method: clinical testing. Allele origin: germline. Not counted in ClinVar's aggregate classification.

Labcorp Genetics (formerly Invitae), Labcorp
Classification: Likely pathogenic. Last evaluated: 2024-03-03. Review status: criteria provided, single submitter. Criteria: Invitae Variant Classification Sherloc (09022015). Collection method: clinical testing. Allele origin: germline. Not counted in ClinVar's aggregate classification.
Comment: This sequence change replaces methionine, which is neutral and non-polar, with isoleucine, which is neutral and non-polar, at codon 195 of the GJB2 protein (p.Met195Ile). This variant is present in population databases (rs570552952, gnomAD 0.07%). This missense change has been observed in individual(s) with clinical features of autosomal recessive nonsyndromic deafness (PMID: 29148562). This variant has been reported in individual(s) with clinical features of autosomal dominant nonsyndromic deafness (PMID: 18941476, 20601923); however, the role of the variant in this condition is currently unclear. ClinVar contains an entry for this variant (Variation ID: 1334161). Advanced modeling of protein sequence and biophysical properties (such as structural, functional, and spatial information, amino acid conservation, physicochemical variation, residue mobility, and thermodynamic stability) performed at Invitae indicates that this missense variant is expected to disrupt GJB2 protein function with a positive predictive value of 95%. This variant disrupts the p.Met195 amino acid residue in GJB2. Other variant(s) that disrupt this residue have been determined to be pathogenic (PMID: 19125024, 19366456, 20497192, 21366436, 24013081, 30146550). This suggests that this residue is clinically significant, and that variants that disrupt this residue are likely to be disease-causing. In summary, the currently available evidence indicates that the variant is pathogenic, but additional data are needed to prove that conclusively. Therefore, this variant has been classified as Likely Pathogenic.

Victorian Clinical Genetics Services, Murdoch Childrens Research Institute
Classification: Uncertain significance for Autosomal recessive nonsyndromic hearing loss 1A. Last evaluated: 2023-12-21. Review status: criteria provided, single submitter. Criteria: ACMG Guidelines, 2015. Collection method: clinical testing. Allele origin: germline. Inheritance: Autosomal recessive inheritance. Affected: yes. Not counted in ClinVar's aggregate classification.
Comment: Based on the classification scheme VCGS_Germline_v1.3.4, this variant is classified as VUS-3A. Following criteria are met: 0102 - Loss of function is a known mechanism of disease in this gene and is associated with both deafness and skin conditions (OMIM). Dominant negative is also a suggested mechanism (PMID: 28428247). (I) 0108 - This gene is associated with both recessive and dominant disease. The autosomal dominant diseases are commonly associated with pathogenic missense variants. The autosomal recessive disease is associated with biallelic loss-of-function variants and includes missense and protein truncating variants (NIH Genetics Home Reference, PMID: 12792423). (I) 0112 - The condition associated with this gene has incomplete penetrance (PMID: 31160754). (I) 0115 - Variants in this gene are known to have variable expressivity. Severity can range from mild to profound with intrafamilial variability also commonly seen. Commonly, truncating variants are associated to a more severe hearing loss (PMID: 20301449). (I) 0200 - Variant is predicted to result in a missense amino acid change from methionine to isoleucine. (I) 0251 - This variant is heterozygous. (I) 0304 - Variant is present in gnomAD (v2) <0.01 (25 heterozygotes, 0 homozygote). Two alternative nucleotide changes that cause the same amino acid substitution are also present in gnomAD (highest allele count: 1 heterozygote, 0 homozygotes). (SP) 0309 - Multiple alternative amino acid changes at the same position have been observed in gnomAD (v2) (highest allele count: 8 heterozygotes, 0 homozygotes). (I) 0501 - Missense variant consistently predicted to be damaging by multiple in silico tools or highly conserved with a major amino acid change. (SP) 0600 - Variant is located in the annotated connexin domain (DECIPHER). (I) 0702 - Other missense variants comparable to the one identified in this case have strong previous evidence for pathogenicity. p.(Met195Val) has been classified as likely pathogenic by an expert panel and several clinical laboratories in ClinVar, and is associated with autosomal recessive hearing loss. p.(Met195Leu) has also been classified as likely pathogenic by a clinical laboratory in ClinVar, while p.(Met195Thr) has been classified as likely pathogenic or a VUS and has been observed as a single heterozygous variant in at least one individual with hearing loss (PMID: 20233142). (SP) 0808 - Previous reports of pathogenicity for this variant are conflicting. This variant and two alternative nucleotide changes that cause the same amino acid substitution have been classified as likely pathogenic or as a VUS by clinical laboratories in ClinVar. This variant has also been observed as a single heterozygous variant or along with a synonymous variant in individuals with hearing loss in the literature where it was considered to be of uncertain significance (PMIDs: 29921236, 20601923, 22925408, 18941476, 29148562). This variant was also observed in an unaffected individual who also had a synonymous variant and a nonsense variant in GJB2 (PMID: 29921236). (I) 1208 - Inheritance information for this variant is not currently available in this individual. (I) Legend: (SP) - Supporting pathogenic, (I) - Information, (SB) - Supporting benign

Neuberg Centre For Genomic Medicine, NCGM
Classification: Likely pathogenic for Autosomal recessive nonsyndromic hearing loss 1A. Review status: criteria provided, single submitter. Criteria: ACMG Guidelines, 2015. Collection method: clinical testing. Allele origin: germline. Inheritance: Autosomal recessive inheritance. Affected: yes. Not counted in ClinVar's aggregate classification.
Comment: The missense variant c.585G>Cp.Met195Ile in GJB2 gene has been reported previously in homozygous and heterozygous state in individuals with hearing loss de la Luz Arenas-Sordo M, 2012, Mani RS, et al., 2009. The variant is reported with 0.001% allele frequency in gnomAD Exomes and is novel not in any individuals in 1000 Genomes. This variant has been reported to the ClinVar database as Likely Pathogenic/ Uncertain Significance. However, experimental studies on the pathogenicity of the variant are not available. The amino acid Methionine at position 195 is changed to a Isoleucine changing protein sequence and it might alter its composition and physico-chemical properties. The variant is predicted to be damaging by SIF. The amino acid change p.Met195Ile in GJB2 is predicted as conserved by GERP++ and PhyloP across 100 vertebrates. For these reasons, this variant has been classified as Likely Pathogenic.

Literature cited by the submitters: PubMed 22925408 (cited by 3 submitters); PubMed 18941476 (cited by 4 submitters); PubMed 29148562 (cited by 3 submitters); PubMed 20601923 (cited by 3 submitters); PubMed 19125024 (cited by Labcorp Genetics (formerly Invitae), Labcorp); PubMed 19366456 (cited by Labcorp Genetics (formerly Invitae), Labcorp); PubMed 20497192 (cited by Labcorp Genetics (formerly Invitae), Labcorp); PubMed 21366436 (cited by Labcorp Genetics (formerly Invitae), Labcorp); PubMed 24013081 (cited by Labcorp Genetics (formerly Invitae), Labcorp); PubMed 30146550 (cited by Labcorp Genetics (formerly Invitae), Labcorp); PubMed 12792423 (cited by Victorian Clinical Genetics Services, Murdoch Childrens Research Institute); PubMed 20233142 (cited by Victorian Clinical Genetics Services, Murdoch Childrens Research Institute); PubMed 20301449 (cited by Victorian Clinical Genetics Services, Murdoch Childrens Research Institute); PubMed 28428247 (cited by Victorian Clinical Genetics Services, Murdoch Childrens Research Institute); PubMed 29921236 (cited by Victorian Clinical Genetics Services, Murdoch Childrens Research Institute); PubMed 31160754 (cited by Victorian Clinical Genetics Services, Murdoch Childrens Research Institute).